The following is an entry in ClinVar:

NM_006662.3(SRCAP):c.952A>G (p.Arg318Gly)

Gene: SRCAP (Snf2 related CREBBP activator protein; plus strand). Cytogenetic location: 16p11.2.
Variant type: single nucleotide variant.
Coding change: c.952A>G on transcript NM_006662.3 (MANE Select); coding-DNA position 952, A replaced by G.
Protein change: p.Arg318Gly; replaces arginine 318 with glycine.
Molecular consequence: missense variant.
Genome position (GRCh38, 1-based): chr16:30,709,946, A>G. VCF-style: chr16-30709946-A-G. GRCh37 (hg19) VCF-style: chr16-30721267-A-G.
Other names: c.952A>G (NM_006662.2); short protein forms R318G.
Identifiers: ClinVar variation 2121484 (VCV002121484.6), dbSNP rs1596645600, ClinGen allele CA395602494.
Genomic context (GRCh38, chr16:30,709,946, plus strand): 5'-GATGATGAGGAAACGATTGAAGTTGAAGAACAACAGGAAGGCAATGATGCAGAGGCCCAG[A>G]GGCGTGAGATTGAGCTGCTTCGCCGTGAGGGAGAATTGCCACTGGAAGAGCTGCTCCGTT-3'
Protein context (NP_006653.2, residues 308-328): QQEGNDAEAQ[Arg318Gly]REIELLRREG

ClinVar aggregate classification (germline): Uncertain significance. Review status: criteria provided, multiple submitters, no conflicts (2 of 4 stars). 3 submissions from 3 submitters: Uncertain significance (3). Last evaluated 2025-09-28.

Conditions:
Inborn genetic diseases. Identifiers: MedGen C0950123, MeSH D030342.

gnomAD v4.1: 1 of 1,614,226 alleles (0.000062%); highest among the groups gnomAD compares: Non-Finnish European, 0.000085%; no homozygotes.

Submissions (3):

Ambry Genetics
Classification: Uncertain significance for Inborn genetic diseases. Last evaluated: 2025-09-28. Review status: criteria provided, single submitter. Criteria: Ambry Variant Classification Scheme 2023. Collection method: clinical testing. Allele origin: germline.

GeneDx
Classification: Uncertain significance. Last evaluated: 2023-10-09. Review status: criteria provided, single submitter. Criteria: GeneDx Variant Classification Process June 2021. Collection method: clinical testing. Allele origin: germline. Affected: yes.
Comment: Not observed at significant frequency in large population cohorts (gnomAD); In silico analysis supports that this missense variant has a deleterious effect on protein structure/function; Has not been previously published as pathogenic or benign to our knowledge

Labcorp Genetics (formerly Invitae), Labcorp
Classification: Uncertain significance. Last evaluated: 2022-07-31. Review status: criteria provided, single submitter. Criteria: Invitae Variant Classification Sherloc (09022015). Collection method: clinical testing. Allele origin: germline.
Comment: In summary, the available evidence is currently insufficient to determine the role of this variant in disease. Therefore, it has been classified as a Variant of Uncertain Significance. Algorithms developed to predict the effect of missense changes on protein structure and function are either unavailable or do not agree on the potential impact of this missense change (SIFT: "Deleterious"; PolyPhen-2: "Not Available"; Align-GVGD: "Class C65"). This variant has not been reported in the literature in individuals affected with SRCAP-related conditions. This variant is not present in population databases (gnomAD no frequency). This sequence change replaces arginine, which is basic and polar, with glycine, which is neutral and non-polar, at codon 318 of the SRCAP protein (p.Arg318Gly).